The following is an entry in ClinVar:

ClinVar aggregate classification (germline): Uncertain significance (1 of 4 stars; one submission).

Submission:

GeneDx
Classification: Uncertain significance. Last evaluated: 2023-12-04. Review status: criteria provided, single submitter. Criteria: GeneDx Variant Classification Process June 2021. Collection method: clinical testing. Allele origin: germline. Affected: yes.
Comment: Not observed at significant frequency in large population cohorts (gnomAD); In silico analysis supports that this missense variant does not alter protein structure/function; Has not been previously published as pathogenic or benign to our knowledge

NM_002693.3(POLG):c.2042T>C (p.Leu681Pro)

Gene: POLG (DNA polymerase gamma, catalytic subunit; minus strand). Cytogenetic location: 15q26.1.
Variant type: single nucleotide variant.
Coding change: c.2042T>C on transcript NM_002693.3 (MANE Select); coding-DNA position 2042, T replaced by C.
Protein change: p.Leu681Pro; replaces leucine 681 with proline.
Molecular consequence: missense variant.
Genome position (GRCh38, 1-based): chr15:89,324,135, A>G on the plus strand (T>C on the coding strand, the complement: POLG is on the minus strand). VCF-style: chr15-89324135-A-G. GRCh37 (hg19) VCF-style: chr15-89867366-A-G.
Other names: c.2042T>C, p.Leu681Pro (NM_001126131.2); short protein forms L681P.
Identifiers: ClinVar variation 3252277 (VCV003252277.1), dbSNP rs2509233776.